The following is an entry in ClinVar:

ClinVar aggregate classification (germline): Pathogenic (1 of 4 stars; one submission).

Submission:

GeneDx
Classification: Pathogenic. Last evaluated: 2025-08-08. Review status: criteria provided, single submitter. Criteria: GeneDx Variant Classification Process June 2021. Collection method: clinical testing. Allele origin: germline. Affected: yes.
Comment: Frameshift variant predicted to result in protein truncation or nonsense mediated decay in a gene for which loss of function is a known mechanism of disease; Not observed at significant frequency in large population cohorts (gnomAD); Has not been previously published as pathogenic or benign to our knowledge

NM_001291867.2(NHS):c.1879del (p.His627fs)

Gene: NHS (NHS actin remodeling regulator; plus strand). Cytogenetic location: Xp22.13.
Variant type: Deletion.
Coding change: c.1879del on transcript NM_001291867.2 (MANE Select); coding-DNA position 1879, one base deleted (C; older notation c.1879delC).
Protein change: p.His627fs; shifts the reading frame from histidine 627.
Molecular consequence: frameshift variant.
Genome position (GRCh38, 1-based): chrX:17,725,985, C deleted; the last of 2 consecutive C bases (chrX:17,725,984-17,725,985); deleting either gives the same sequence. VCF-style (leftmost placement, unchanged base first): chrX-17725983-AC-A. GRCh37 (hg19) VCF-style: chrX-17744103-AC-A.
Other names: c.1348del, p.His450fs (NM_001136024.4); c.1285del, p.His429fs (NM_001291868.2); c.1540del, p.His514fs (NM_001440780.1); c.1816del, p.His606fs (NM_198270.4); short protein forms H429fs, H450fs, H514fs, H606fs, H627fs.
Identifiers: ClinVar variation 4755989 (VCV004755989.1).